The following is an entry in ClinVar:

NM_005676.5(RBM10):c.239G>A (p.Arg80His)

Gene: RBM10 (RNA binding motif protein 10; plus strand). Cytogenetic location: Xp11.3.
Variant type: single nucleotide variant.
Coding change: c.239G>A on transcript NM_005676.5 (MANE Select); coding-DNA position 239, G replaced by A.
Protein change: p.Arg80His; replaces arginine 80 with histidine.
Molecular consequence: missense variant. On other transcripts: intron variant (2).
Genome position (GRCh38, 1-based): chrX:47,171,065, G>A. VCF-style: chrX-47171065-G-A. GRCh37 (hg19) VCF-style: chrX-47030464-G-A.
Other names: c.239G>A, p.Arg80His (NM_001204467.2); c.434G>A, p.Arg145His (NM_001204468.2); c.201+1567G>A (NM_001204466.2, NM_152856.3); short protein forms R145H, R80H.
Identifiers: ClinVar variation 3343474 (VCV003343474.3).

ClinVar aggregate classification (germline): Conflicting classifications of pathogenicity. Review status: criteria provided, conflicting classifications (1 of 4 stars). 2 submissions from 2 submitters: Uncertain significance (1); Likely benign (1). Last evaluated 2025-01-06.

gnomAD v4.1: 2 of 1,210,959 alleles (0.00017%); highest among the groups gnomAD compares: South Asian, 0.0018%; no homozygotes.

Submissions (2):

Labcorp Genetics (formerly Invitae), Labcorp
Classification: Likely benign. Last evaluated: 2025-01-06. Review status: criteria provided, single submitter. Criteria: Invitae Variant Classification Sherloc (09022015). Collection method: clinical testing. Allele origin: germline.

GeneDx
Classification: Uncertain significance. Last evaluated: 2023-05-12. Review status: criteria provided, single submitter. Criteria: GeneDx Variant Classification Process June 2021. Collection method: clinical testing. Allele origin: germline. Affected: yes.
Comment: Not observed at significant frequency in large population cohorts (gnomAD); In silico analysis supports that this missense variant does not alter protein structure/function; Has not been previously published as pathogenic or benign to our knowledge